The following is an entry in ClinVar:

NM_006612.6(KIF1C):c.1019+5G>A

Gene: KIF1C (kinesin family member 1C; plus strand). Cytogenetic location: 17p13.2.
Variant type: single nucleotide variant.
Coding change: c.1019+5G>A on transcript NM_006612.6 (MANE Select); 5 bases into the intron after coding-DNA position 1019, G replaced by A.
Molecular consequence: intron variant.
Genome position (GRCh38, 1-based): chr17:5,004,650, G>A. VCF-style: chr17-5004650-G-A. GRCh37 (hg19) VCF-style: chr17-4907945-G-A.
Identifiers: ClinVar variation 1992079 (VCV001992079.2), dbSNP rs750828264, ClinGen allele CA8318831.
Genomic context (GRCh38, chr17:5,004,650, plus strand): 5'-ATTGCAGCCCTGAGCCCTGCTGACATCAATTACGAGGAGACTCTCAGCACCCTCAGGTGA[G>A]GCTTTTGGCTCTAGCAGGGATGGGGCAGCATAGGAAGAGTGCCAGGAGTTCAGAGGCGAG-3'

ClinVar aggregate classification (germline): Uncertain significance (1 of 4 stars; one submission).

Conditions:
Spastic ataxia 2. Also called: Ataxia, spastic, 2, autosomal recessive. Identifiers: Orphanet 397946, MedGen C1969796, MONDO:0012651, OMIM 611302.

Allele frequency attached by ClinVar (database versions not stated): gnomAD 0.00001; gnomAD exomes 0.00001; ExAC 0.00002; TOPMed 0.00002.
gnomAD v4.1: 7 of 1,613,920 alleles (0.00043%); highest among the groups gnomAD compares: Admixed American, 0.0067%; no homozygotes.

Submission:

Labcorp Genetics (formerly Invitae), Labcorp
Classification: Uncertain significance for Spastic ataxia 2. Last evaluated: 2022-06-28. Review status: criteria provided, single submitter. Criteria: Invitae Variant Classification Sherloc (09022015). Collection method: clinical testing. Allele origin: germline.
Comment: In summary, the available evidence is currently insufficient to determine the role of this variant in disease. Therefore, it has been classified as a Variant of Uncertain Significance. Variants that disrupt the consensus splice site are a relatively common cause of aberrant splicing (PMID: 17576681, 9536098). Algorithms developed to predict the effect of sequence changes on RNA splicing suggest that this variant is not likely to affect RNA splicing. This variant has not been reported in the literature in individuals affected with KIF1C-related conditions. This variant is present in population databases (rs750828264, gnomAD 0.009%). This sequence change falls in intron 12 of the KIF1C gene. It does not directly change the encoded amino acid sequence of the KIF1C protein. It affects a nucleotide within the consensus splice site.

Literature cited by the submitters: PubMed 17576681; PubMed 9536098.